The following is an entry in ClinVar:

ClinVar aggregate classification (germline): Uncertain significance (1 of 4 stars; one submission).

Conditions:
Frontotemporal dementia (FTD1). Also called: Frontotemporal lobe dementia (FLDEM); FRONTOTEMPORAL LOBAR DEGENERATION WITH TAU INCLUSIONS; FTLD WITH TAU INCLUSIONS; FRONTOTEMPORAL DEMENTIA WITH PARKINSONISM; FRONTOTEMPORAL LOBE DEMENTIA; MULTIPLE SYSTEM TAUOPATHY WITH PRESENILE DEMENTIA. Identifiers: Orphanet 282, MedGen C0338451, MONDO:0017276, OMIM 600274, HP:0002145.

gnomAD v4.1: 4 of 1,614,120 alleles (0.00025%); highest among the groups gnomAD compares: Admixed American, 0.0067%; no homozygotes.

Submission:

3billion
Classification: Uncertain significance for Frontotemporal dementia. Last evaluated: 2025-06-11. Review status: criteria provided, single submitter. Criteria: ACMG Guidelines, 2015. Collection method: clinical testing. Allele origin: germline. Affected: yes.
Comment: The variant is observed at an extremely low frequency in the gnomAD v4.1.0 dataset (total allele frequency: <0.001%). Predicted Consequence/Location: Missense variant. Missense changes are a common disease-causing mechanism. In silico tool predictions suggest damaging effect of the variant on gene or gene product [3Cnet: 0.98 (> 0.75, sensitivity 0.96 and precision 0.92)]. Therefore, this variant is classified as VUS according to the recommendation of ACMG/AMP guideline.

NM_001377265.1(MAPT):c.2369T>C (p.Val790Ala)

Gene: MAPT (microtubule associated protein tau). Cytogenetic location: 17q21.31.
Variant type: single nucleotide variant.
Coding change: c.2369T>C on transcript NM_001377265.1 (MANE Select); coding-DNA position 2369, T replaced by C.
Protein change: p.Val790Ala; replaces valine 790 with alanine.
Molecular consequence: missense variant. On other transcripts: non-coding transcript variant (1), intron variant (1).
Genome position (GRCh38, 1-based): chr17:46,024,038, T>C. VCF-style: chr17-46024038-T-C. GRCh37 (hg19) VCF-style: chr17-44101404-T-C.
Other names: c.2198T>C, p.Val733Ala (NM_001123066.4); c.1106T>C, p.Val369Ala (NM_001123067.4); c.1013T>C, p.Val338Ala (NM_001203251.2); c.1100T>C, p.Val367Ala (NM_001203252.2); c.2078T>C, p.Val693Ala (NM_001377266.1); c.926T>C, p.Val309Ala (NM_001377268.1, NM_016841.5); c.1193T>C, p.Val398Ala (NM_005910.6); c.1019T>C, p.Val340Ala (NM_016834.5); and 2 more; short protein forms V309A, V338A, V340A, V367A, V369A, V398A, V693A, V715A.
Identifiers: ClinVar variation 4854604 (VCV004854604.1).